The following is an entry in ClinVar:

ClinVar aggregate classification (germline): Uncertain significance (1 of 4 stars; one submission).

Allele frequency attached by ClinVar (database versions not stated): gnomAD 0.00007; ExAC 0.00007; TOPMed 0.00009; ESP Exome Variant Server 0.00008; gnomAD exomes 0.00031.
gnomAD v4.1: 451 of 1,553,234 alleles (0.029%); highest among the groups gnomAD compares: Non-Finnish European, 0.037%; 1 homozygote.

Submission:

Labcorp Genetics (formerly Invitae), Labcorp
Classification: Uncertain significance. Last evaluated: 2025-05-01. Review status: criteria provided, single submitter. Criteria: Invitae Variant Classification Sherloc (09022015). Collection method: clinical testing. Allele origin: germline.
Comment: This sequence change replaces valine, which is neutral and non-polar, with methionine, which is neutral and non-polar, at codon 343 of the INTU protein (p.Val343Met). This variant is present in population databases (rs139082309, gnomAD 0.02%). This variant has not been reported in the literature in individuals affected with INTU-related conditions. ClinVar contains an entry for this variant (Variation ID: 2885609). Invitae Evidence Modeling of protein sequence and biophysical properties (such as structural, functional, and spatial information, amino acid conservation, physicochemical variation, residue mobility, and thermodynamic stability) indicates that this missense variant is expected to disrupt INTU protein function with a positive predictive value of 80%. In summary, the available evidence is currently insufficient to determine the role of this variant in disease. Therefore, it has been classified as a Variant of Uncertain Significance.

NM_015693.4(INTU):c.1027G>A (p.Val343Met)

Gene: INTU (inturned planar cell polarity protein; plus strand). Cytogenetic location: 4q28.1.
Variant type: single nucleotide variant.
Coding change: c.1027G>A on transcript NM_015693.4 (MANE Select); coding-DNA position 1027, G replaced by A.
Protein change: p.Val343Met; replaces valine 343 with methionine.
Molecular consequence: missense variant.
Genome position (GRCh38, 1-based): chr4:127,669,090, G>A. VCF-style: chr4-127669090-G-A. GRCh37 (hg19) VCF-style: chr4-128590245-G-A.
Other names: short protein forms V343M.
Identifiers: ClinVar variation 2885609 (VCV002885609.3), dbSNP rs139082309, ClinGen allele CA3074941.